The following is an entry in ClinVar:

ClinVar aggregate classification (germline): Pathogenic (1 of 4 stars; one submission).

Submission:

Labcorp Genetics (formerly Invitae), Labcorp
Classification: Pathogenic. Last evaluated: 2022-12-18. Review status: criteria provided, single submitter. Criteria: Invitae Variant Classification Sherloc (09022015). Collection method: clinical testing. Allele origin: germline.
Comment: This sequence change creates a premature translational stop signal (p.Gln5297*) in the ADGRV1 gene. It is expected to result in an absent or disrupted protein product. Loss-of-function variants in ADGRV1 are known to be pathogenic (PMID: 19357117, 22135276, 22147658, 26226137, 30718709, 31047384, 32467589). This variant is not present in population databases (gnomAD no frequency). This variant has not been reported in the literature in individuals affected with ADGRV1-related conditions. For these reasons, this variant has been classified as Pathogenic.

Literature cited by the submitters: PubMed 19357117; PubMed 22135276; PubMed 22147658; PubMed 26226137; PubMed 30718709; PubMed 31047384; PubMed 32467589.

NM_032119.4(ADGRV1):c.15889C>T (p.Gln5297Ter)

Gene: ADGRV1 (adhesion G protein-coupled receptor V1; plus strand). Cytogenetic location: 5q14.3.
Variant type: single nucleotide variant.
Coding change: c.15889C>T on transcript NM_032119.4 (MANE Select); coding-DNA position 15889, C replaced by T.
Protein change: p.Gln5297Ter; replaces glutamine 5297 with a stop codon.
Molecular consequence: nonsense. On other transcripts: non-coding transcript variant (1).
Genome position (GRCh38, 1-based): chr5:90,811,149, C>T. VCF-style: chr5-90811149-C-T. GRCh37 (hg19) VCF-style: chr5-90106966-C-T.
Other names: short protein forms Q5297*.
Identifiers: ClinVar variation 2821877 (VCV002821877.3), dbSNP rs2532192621, ClinGen allele CA360411242.